The following is an entry in ClinVar:

NM_001379291.1(BRD4):c.1169A>G (p.Tyr390Cys)

Gene: BRD4 (bromodomain containing 4; minus strand). Cytogenetic location: 19p13.12.
Variant type: single nucleotide variant.
Coding change: c.1169A>G on transcript NM_001379291.1 (MANE Select); coding-DNA position 1169, A replaced by G.
Protein change: p.Tyr390Cys; replaces tyrosine 390 with cysteine.
Molecular consequence: missense variant.
Genome position (GRCh38, 1-based): chr19:15,264,447, T>C on the plus strand (A>G on the coding strand, the complement: BRD4 is on the minus strand). VCF-style: chr19-15264447-T-C. GRCh37 (hg19) VCF-style: chr19-15375258-T-C.
Other names: c.1169A>G, p.Tyr390Cys (NM_001330384.2, NM_001379292.1, NM_014299.3 and 1 more transcripts); short protein forms Y390C.
Identifiers: ClinVar variation 3062001 (VCV003062001.1), dbSNP rs2512583459, ClinGen allele CA404484120.

ClinVar aggregate classification (germline): Uncertain significance (1 of 4 stars; one submission).

Conditions:
Learning Disabilities, Adolescent. Identifiers: MeSH D007859.

Submission:

SIB Swiss Institute of Bioinformatics
Classification: Uncertain significance for Learning Disabilities, Adolescent. Last evaluated: 2024-03-03. Review status: criteria provided, single submitter. Criteria: ACMG Guidelines, 2015. Collection method: curation. Allele origin: unknown. Affected: yes.
Comment: Patient P12 in PMID: 35470444; The following ACMG tags were applied: Absent from controls (or at extremely low frequency if recessive) in gnomAD (PM2).

Literature cited by the submitters: PubMed 35470444.